The following is an entry in ClinVar:

NM_181458.4(PAX3):c.450A>G (p.Ser150=)

Gene: PAX3 (paired box 3; minus strand). Cytogenetic location: 2q36.1.
Variant type: single nucleotide variant.
Coding change: c.450A>G on transcript NM_181458.4 (MANE Select); coding-DNA position 450, A replaced by G.
Protein change: p.Ser150=; no amino-acid change (serine 150 retained).
Molecular consequence: synonymous variant.
Genome position (GRCh38, 1-based): chr2:222,295,529, T>C on the plus strand (A>G on the coding strand, the complement: PAX3 is on the minus strand). VCF-style: chr2-222295529-T-C. GRCh37 (hg19) VCF-style: chr2-223160248-T-C.
Other names: c.450A>G, p.Ser150= (NM_000438.6, NM_013942.5, NM_181457.4 and 3 more transcripts); c.447A>G, p.Ser149= (NM_001127366.3).
Identifiers: ClinVar variation 1704043 (VCV001704043.3), dbSNP rs2469478626, ClinGen allele CA431575793.

ClinVar aggregate classification (germline): Likely pathogenic (1 of 4 stars; one submission).

Submission:

GeneDx
Classification: Likely pathogenic. Last evaluated: 2024-04-30. Review status: criteria provided, single submitter. Criteria: GeneDx Variant Classification Process June 2021. Collection method: clinical testing. Allele origin: germline. Affected: yes.
Comment: Not observed at significant frequency in large population cohorts (gnomAD); In-silico analysis is inconclusive as to whether the variant alters gene splicing. In the absence of RNA/functional studies, the actual effect of this sequence change is unknown.; This variant is associated with the following publications: (PMID: 31785789, 30587507)